The following is an entry in ClinVar:

ClinVar aggregate classification (germline): Pathogenic/Likely pathogenic. Review status: criteria provided, multiple submitters, no conflicts (2 of 4 stars). 4 submissions from 4 submitters: Pathogenic (3); Likely pathogenic (1). Last evaluated 2025-08-18.

Conditions:
3-hydroxy-3-methylglutaryl-CoA synthase deficiency (HMGCS2D). Also called: HMG-CoA synthase-2 deficiency; MITOCHONDRIAL HMG-CoA SYNTHASE DEFICIENCY; HMGCS2 DEFICIENCY. Identifiers: Orphanet 35701, MedGen C2751532, MONDO:0011614, OMIM 605911.

Allele frequency attached by ClinVar (database versions not stated): gnomAD exomes 0.00001 and 0.00004; TOPMed 0.00001; gnomAD 0.00003; ExAC 0.00008.

Submissions (4):

Labcorp Genetics (formerly Invitae), Labcorp
Classification: Pathogenic for 3-hydroxy-3-methylglutaryl-CoA synthase deficiency. Last evaluated: 2025-08-18. Review status: criteria provided, single submitter. Criteria: Invitae Variant Classification Sherloc (09022015). Collection method: clinical testing. Allele origin: germline.
Comment: This sequence change creates a premature translational stop signal (p.Val61Alafs*19) in the HMGCS2 gene. It is expected to result in an absent or disrupted protein product. Loss-of-function variants in HMGCS2 are known to be pathogenic (PMID: 20346956, 23751782, 25511235). This variant is present in population databases (rs747388657, gnomAD 0.04%). This variant has not been reported in the literature in individuals affected with HMGCS2-related conditions. ClinVar contains an entry for this variant (Variation ID: 915425). For these reasons, this variant has been classified as Pathogenic.

First Genomix Gene Laboratory, Genetic Diagnostics Department
Classification: Pathogenic for 3-hydroxy-3-methylglutaryl-CoA synthase deficiency. Last evaluated: 2025-03-26. Review status: criteria provided, single submitter. Criteria: ACMG Guidelines, 2015. Collection method: clinical testing. Allele origin: germline. Inheritance: Autosomal recessive inheritance. Affected: no. Observed: 1 variant allele.

Revvity Omics, Revvity
Classification: Likely pathogenic for 3-hydroxy-3-methylglutaryl-CoA synthase deficiency. Last evaluated: 2022-11-08. Review status: criteria provided, single submitter. Criteria: ACMG Guidelines, 2015. Collection method: clinical testing. Allele origin: germline.

Genomic Research Center, Shahid Beheshti University of Medical Sciences
Classification: Pathogenic for 3-hydroxy-3-methylglutaryl-CoA synthase deficiency. Last evaluated: 2020-05-03. Review status: criteria provided, single submitter. Criteria: ACMG Guidelines, 2015. Collection method: clinical testing. Allele origin: unknown. Affected: yes.

Literature cited by the submitters: PubMed 20346956 (cited by Labcorp Genetics (formerly Invitae), Labcorp); PubMed 23751782 (cited by Labcorp Genetics (formerly Invitae), Labcorp); PubMed 25511235 (cited by Labcorp Genetics (formerly Invitae), Labcorp).

NM_005518.4(HMGCS2):c.181_182insCCAATATGGCCCTGGAGGCCAA (p.Val61fs)

Gene: HMGCS2 (3-hydroxy-3-methylglutaryl-CoA synthase 2; minus strand). Cytogenetic location: 1p12.
Variant type: Insertion.
Coding change: c.181_182insCCAATATGGCCCTGGAGGCCAA on transcript NM_005518.4 (MANE Select); coding-DNA positions 181 to 182, CCAATATGGCCCTGGAGGCCAA inserted.
Protein change: p.Val61fs; shifts the reading frame from valine 61.
Molecular consequence: frameshift variant.
Genome position: GRCh38 VCF-style: chr1-119764549-A-ATTGGCCTCCAGGGCCATATTGG. GRCh37 (hg19) VCF-style: chr1-120307172-A-ATTGGCCTCCAGGGCCATATTGG.
Other names: c.181_182insCCAATATGGCCCTGGAGGCCAA, p.Val61fs (NM_001166107.1); c.181_182insCCAATATGGCCCTGGAGGCCAA (NM_005518.3); short protein forms V61fs.
Identifiers: ClinVar variation 915425 (VCV000915425.14), dbSNP rs1553241079, ClinGen allele CA1037940.